The following is an entry in ClinVar:

NM_000038.6(APC):c.4479_4481delinsAGT (p.Glu1494Val)

Gene: APC (APC regulator of Wnt signaling pathway; plus strand). Cytogenetic location: 5q22.2.
Variant type: Indel.
Coding change: c.4479_4481delinsAGT on transcript NM_000038.6 (MANE Select); coding-DNA positions 4479 to 4481, GGA replaced by AGT.
Protein change: p.Glu1494Val; replaces glutamic acid 1494 with valine.
Molecular consequence: missense variant.
Genome position (GRCh38, 1-based): chr5:112,840,073-112,840,075, GGA replaced by AGT. VCF-style: chr5-112840073-GGA-AGT. GRCh37 (hg19) VCF-style: chr5-112175770-GGA-AGT.
Other names: c.4479_4481delinsAGT, p.Glu1494Val (NM_001127510.3, NM_001354895.2); c.4425_4427delinsAGT, p.Glu1476Val (NM_001127511.3); c.4533_4535delinsAGT, p.Glu1512Val (NM_001354896.2); c.4509_4511delinsAGT, p.Glu1504Val (NM_001354897.2); c.4404_4406delinsAGT, p.Glu1469Val (NM_001354898.2); c.4395_4397delinsAGT, p.Glu1466Val (NM_001354899.2); c.4356_4358delinsAGT, p.Glu1453Val (NM_001354900.2); c.4302_4304delinsAGT, p.Glu1435Val (NM_001354901.2); and 16 more; short protein forms E1393V, E1411V, E1466V, E1469V, E1484V, E1522V, E1110V, E1365V.
Identifiers: ClinVar variation 1740867 (VCV001740867.2), dbSNP rs2533577973, ClinGen allele CA2580072523.

ClinVar aggregate classification (germline): Uncertain significance (1 of 4 stars; one submission).

Conditions:
Hereditary cancer-predisposing syndrome. Also called: Hereditary Cancer Syndrome; Hereditary neoplastic syndrome; Neoplastic Syndromes, Hereditary; Tumor predisposition. Identifiers: Orphanet 140162, MedGen C0027672, MeSH D009386, MONDO:0015356.

Submission:

Ambry Genetics
Classification: Uncertain significance for Hereditary cancer-predisposing syndrome. Last evaluated: 2022-06-06. Review status: criteria provided, single submitter. Criteria: Ambry Variant Classification Scheme 2023. Collection method: clinical testing. Allele origin: germline.
Comment: The c.4479_4481delGGAinsAGT variant, located in coding exon 15 of the APC gene, results from an in-frame deletion of GGA and insertion of AGT at nucleotide positions 4479 to 4481. This results in the substitution of the glutamic acid residue for a valine residue at codon 1494, an amino acid with dissimilar properties. This amino acid position is highly conserved in available vertebrate species. In addition, the in silico prediction for this alteration is inconclusive (Choi Y et al. PLoS ONE. 2012; 7(10):e46688). Since supporting evidence is limited at this time, the clinical significance of this alteration remains unclear.